The following is an entry in ClinVar:

NM_020774.4(MIB1):c.520C>A (p.Arg174Ser)

Gene: MIB1 (MIB E3 ubiquitin protein ligase 1; plus strand). Cytogenetic location: 18q11.2.
Variant type: single nucleotide variant.
Coding change: c.520C>A on transcript NM_020774.4 (MANE Select); coding-DNA position 520, C replaced by A.
Protein change: p.Arg174Ser; replaces arginine 174 with serine.
Molecular consequence: missense variant.
Genome position (GRCh38, 1-based): chr18:21,768,741, C>A. VCF-style: chr18-21768741-C-A. GRCh37 (hg19) VCF-style: chr18-19348702-C-A.
Other names: short protein forms R174S.
Identifiers: ClinVar variation 1746085 (VCV001746085.2), dbSNP rs748874326, ClinGen allele CA297020732.

ClinVar aggregate classification (germline): Uncertain significance (1 of 4 stars; one submission).

Conditions:
Inborn genetic diseases. Identifiers: MedGen C0950123, MeSH D030342.

gnomAD v4.1: 10 of 1,609,968 alleles (0.00062%); highest among the groups gnomAD compares: Non-Finnish European, 0.00085%; no homozygotes.

Submission:

Ambry Genetics
Classification: Uncertain significance for Inborn genetic diseases. Last evaluated: 2022-09-05. Review status: criteria provided, single submitter. Criteria: Ambry Variant Classification Scheme 2023. Collection method: clinical testing. Allele origin: germline.
Comment: The p.R174S variant (also known as c.520C>A), located in coding exon 3 of the MIB1 gene, results from a C to A substitution at nucleotide position 520. The arginine at codon 174 is replaced by serine, an amino acid with dissimilar properties. This amino acid position is conserved. In addition, the in silico prediction for this alteration is inconclusive. Since supporting evidence is limited at this time, the clinical significance of this alteration remains unclear.